The following is an entry in ClinVar:

NM_014845.6(FIG4):c.1949-9C>T

Gene: FIG4 (FIG4 phosphoinositide 5-phosphatase; plus strand). Cytogenetic location: 6q21.
Variant type: single nucleotide variant.
Coding change: c.1949-9C>T on transcript NM_014845.6 (MANE Select); 9 bases into the intron before coding-DNA position 1949, C replaced by T.
Molecular consequence: intron variant.
Genome position (GRCh38, 1-based): chr6:109,786,293, C>T. VCF-style: chr6-109786293-C-T. GRCh37 (hg19) VCF-style: chr6-110107496-C-T.
Identifiers: ClinVar variation 4884947 (VCV004884947.2).
Genomic context (GRCh38, chr6:109,786,293, plus strand): 5'-TTAATATTATGGAAATGTTTGCTTGCTATAATCTCAGACTTTTAGAGTAACATGCAGTAT[C>T]TCTCTTAGTTATCTGTGCTGTGAACTTAAAGAAGTTGATAGTGAAGAAATTCCACAAATA-3'

ClinVar aggregate classification (germline): Uncertain significance (1 of 4 stars; one submission).

Submission:

Dasa
Classification: Uncertain significance. Last evaluated: 2025-06-28. Review status: criteria provided, single submitter. Criteria: DASA Assertion Criteria. Collection method: clinical testing. Allele origin: germline.
Comment: NM_014845.6(FIG4):c.1949-9C>T is a splice-region variant. This variant is absent from population databases. Computational prediction algorithms are consistent with a benign effect. The currently available literature and clinical evidence are not sufficient to establish a definitive association between this variant and the reported condition. Therefore, this variant is classified as a variant of uncertain significance.